The following is an entry in ClinVar:

ClinVar aggregate classification (germline): Uncertain significance (1 of 4 stars; one submission).

Conditions:
POLD1-related polyposis and colorectal cancer syndrome (CRCS10). Also called: Colorectal cancer 10; COLORECTAL CANCER, SUSCEPTIBILITY TO, ON CHROMOSOME 19q; Colorectal cancer, susceptibility to, 10. Identifiers: Orphanet 220460, MedGen C2675481, MONDO:0012953, OMIM 612591.

Allele frequency attached by ClinVar (database versions not stated): gnomAD exomes below 0.00001.
gnomAD v4.1: 1 of 1,611,598 alleles (0.000062%); highest among the groups gnomAD compares: Non-Finnish European, 0.000085%; no homozygotes.

Submission:

Labcorp Genetics (formerly Invitae), Labcorp
Classification: Uncertain significance for POLD1-related polyposis and colorectal cancer syndrome. Last evaluated: 2017-10-31. Review status: criteria provided, single submitter. Criteria: Invitae Variant Classification Sherloc (09022015). Collection method: clinical testing. Allele origin: germline.
Comment: This sequence change affects an acceptor splice site in intron 2 of the POLD1 gene. It is expected to disrupt RNA splicing and likely results in an absent or disrupted protein product. This variant is not present in population databases (ExAC no frequency). This variant has not been reported in the literature in individuals with POLD1-related disease. Algorithms developed to predict the effect of sequence changes on RNA splicing suggest that this variant may disrupt the consensus splice site, but this prediction has not been confirmed by published transcriptional studies. Missense variants that disrupt the 3'-5' exonuclease (proof-reading) activity of the POLD1 protein, while not abolishing its polymerase enzyme activity, are associated with an increased risk for colonic adenomatous polyps and colon cancer (PMID: 23263490, 23447401). Loss-of-function truncating variants, which result in an absent or severely disrupted POLD1 protein, are therefore unlikely to be associated with disease. Without further clinical and genetic evidence, however, this variant has been classified as a Variant of Uncertain Significance.

Literature cited by the submitters: PubMed 23263490; PubMed 23447401.

NM_002691.4(POLD1):c.203-1G>C

Gene: POLD1 (DNA polymerase delta 1, catalytic subunit; plus strand). Cytogenetic location: 19q13.33.
Variant type: single nucleotide variant.
Coding change: c.203-1G>C on transcript NM_002691.4 (MANE Select); the canonical splice acceptor site of the intron before coding-DNA position 203, G replaced by C.
Molecular consequence: splice acceptor variant.
Genome position (GRCh38, 1-based): chr19:50,399,370, G>C. VCF-style: chr19-50399370-G-C. GRCh37 (hg19) VCF-style: chr19-50902627-G-C.
Other names: c.203-1G>C (NM_001256849.1, NM_001308632.1).
Identifiers: ClinVar variation 537038 (VCV000537038.9), dbSNP rs1555789205, ClinGen allele CA406970376.